The following is an entry in ClinVar:

NM_000199.5(SGSH):c.689C>T (p.Pro230Leu)

Gene: SGSH (N-sulfoglucosamine sulfohydrolase; minus strand). Cytogenetic location: 17q25.3.
Variant type: single nucleotide variant.
Coding change: c.689C>T on transcript NM_000199.5 (MANE Select); coding-DNA position 689, C replaced by T.
Protein change: p.Pro230Leu; replaces proline 230 with leucine.
Molecular consequence: missense variant. On other transcripts: non-coding transcript variant (1).
Genome position (GRCh38, 1-based): chr17:80,213,860, G>A on the plus strand (C>T on the coding strand, the complement: SGSH is on the minus strand). VCF-style: chr17-80213860-G-A. GRCh37 (hg19) VCF-style: chr17-78187659-G-A.
Other names: c.689C>T, p.Pro230Leu (NM_001352921.3, NM_001352922.2); short protein forms P230L.
Identifiers: ClinVar variation 325839 (VCV000325839.9), dbSNP rs748671633, ClinGen allele CA8817838.

ClinVar aggregate classification (germline): Uncertain significance. Review status: criteria provided, multiple submitters, no conflicts (2 of 4 stars). 3 submissions from 3 submitters: Uncertain significance (3). Last evaluated 2025-07-29.

Conditions:
Mucopolysaccharidosis, MPS-III-A (MPS3A). Also called: MUCOPOLYSACCHARIDOSIS, TYPE IIIA, ATTENUATED; Mucopolysaccharidosis type IIIA (Sanfilippo A); mucopolysaccharidosis type 3A; MPS IIIA (Sanfilippo Syndrome Type A); MPS III A; HEPARAN SULFATE SULFATASE DEFICIENCY. Identifiers: Orphanet 581, Orphanet 79269, MedGen C0086647, MONDO:0009655, OMIM 252900.

Allele frequency attached by ClinVar (database versions not stated): ExAC 0.00001; gnomAD exomes 0.00003 and 0.00002; TOPMed 0.00001.
gnomAD v4.1: 44 of 1,608,458 alleles (0.0027%); highest among the groups gnomAD compares: East Asian, 0.0089%; no homozygotes.

Submissions (3):

Labcorp Genetics (formerly Invitae), Labcorp
Classification: Uncertain significance for Mucopolysaccharidosis, MPS-III-A. Last evaluated: 2025-07-29. Review status: criteria provided, single submitter. Criteria: Invitae Variant Classification Sherloc (09022015). Collection method: clinical testing. Allele origin: germline.
Comment: This sequence change replaces proline, which is neutral and non-polar, with leucine, which is neutral and non-polar, at codon 230 of the SGSH protein (p.Pro230Leu). This variant is present in population databases (rs748671633, gnomAD 0.01%). This variant has not been reported in the literature in individuals affected with SGSH-related conditions. ClinVar contains an entry for this variant (Variation ID: 325839). Invitae Evidence Modeling of protein sequence and biophysical properties (such as structural, functional, and spatial information, amino acid conservation, physicochemical variation, residue mobility, and thermodynamic stability) has been performed for this missense variant. However, the output from this modeling did not meet the statistical confidence thresholds required to predict the impact of this variant on SGSH protein function. In summary, the available evidence is currently insufficient to determine the role of this variant in disease. Therefore, it has been classified as a Variant of Uncertain Significance.

Genome-Nilou Lab
Classification: Uncertain significance for Mucopolysaccharidosis, MPS-III-A. Last evaluated: 2021-11-07. Review status: criteria provided, single submitter. Criteria: ACMG Guidelines, 2015. Collection method: clinical testing. Allele origin: germline. Affected: no.

Illumina Laboratory Services, Illumina
Classification: Uncertain significance for Mucopolysaccharidosis, MPS-III-A. Last evaluated: 2018-01-12. Review status: criteria provided, single submitter. Criteria: ICSL Variant Classification Criteria 13 December 2019. Collection method: clinical testing. Allele origin: germline.